The following is an entry in ClinVar:

NM_003482.4(KMT2D):c.11393C>T (p.Pro3798Leu)

Gene: KMT2D (lysine methyltransferase 2D; minus strand). Cytogenetic location: 12q13.12.
Variant type: single nucleotide variant.
Coding change: c.11393C>T on transcript NM_003482.4 (MANE Select); coding-DNA position 11393, C replaced by T.
Protein change: p.Pro3798Leu; replaces proline 3798 with leucine.
Molecular consequence: missense variant.
Genome position (GRCh38, 1-based): chr12:49,033,312, G>A on the plus strand (C>T on the coding strand, the complement: KMT2D is on the minus strand). VCF-style: chr12-49033312-G-A. GRCh37 (hg19) VCF-style: chr12-49427095-G-A.
Other names: short protein forms P3798L.
Identifiers: ClinVar variation 4996351 (VCV004996351.1).
Genomic context (GRCh38, chr12:49,033,312, plus strand): 5'-AAAGCTCCAGGGTGCTGCTGCTGCAACACAGCCACCTGGGCAGGGCCCAGCATGCCCTGG[G>A]GCCCCTGGGGTGGTTGAGGGGACAGCTGCTGGACCAGGAGGCCTTGGTGGCTGCTGGGAG-3'
Protein context (NP_003473.3, residues 3788-3808): QQLSPQPPQG[Pro3798Leu]QGMLGPAQVA

ClinVar aggregate classification (germline): Uncertain significance (1 of 4 stars; one submission).

Conditions:
KMT2D-related disorder. Also called: KMT2D-Related Disorders.

gnomAD v4.1: 1 of 1,592,182 alleles (0.000063%); highest among the groups gnomAD compares: East Asian, 0.0023%; no homozygotes.

Submission:

PreventionGenetics, part of Exact Sciences
Classification: Uncertain significance for KMT2D-related condition. Last evaluated: 2026-07-22. Review status: criteria provided, single submitter. Criteria: ACMG Guidelines, 2015. Collection method: clinical testing. Allele origin: germline.
Comment: The KMT2D c.11393C>T variant is predicted to result in the amino acid substitution p.Pro3798Leu. To our knowledge, this variant has not been reported in the literature or in a large population database (gnomAD), indicating this variant is rare. At this time, the clinical significance of this variant is uncertain due to the absence of conclusive functional and genetic evidence.